The following is an entry in ClinVar:

NM_005458.8(GABBR2):c.65G>A (p.Arg22His)

Gene: GABBR2 (gamma-aminobutyric acid type B receptor subunit 2; minus strand). Cytogenetic location: 9q22.33.
Variant type: single nucleotide variant.
Coding change: c.65G>A on transcript NM_005458.8 (MANE Select); coding-DNA position 65, G replaced by A.
Protein change: p.Arg22His; replaces arginine 22 with histidine.
Molecular consequence: missense variant.
Genome position (GRCh38, 1-based): chr9:98,708,673, C>T on the plus strand (G>A on the coding strand, the complement: GABBR2 is on the minus strand). VCF-style: chr9-98708673-C-T. GRCh37 (hg19) VCF-style: chr9-101470955-C-T.
Other names: short protein forms R22H.
Identifiers: ClinVar variation 1900555 (VCV001900555.5), dbSNP rs1830936177, ClinGen allele CA374212904.

ClinVar aggregate classification (germline): Uncertain significance (1 of 4 stars; one submission).

Conditions:
Epileptic encephalopathy. Identifiers: MedGen C0543888, HP:0200134.

gnomAD v4.1: 1 of 1,163,716 alleles (0.000086%); highest among the groups gnomAD compares: Non-Finnish European, 0.00011%; no homozygotes.

Submission:

Labcorp Genetics (formerly Invitae), Labcorp
Classification: Uncertain significance for Epileptic encephalopathy. Last evaluated: 2022-03-27. Review status: criteria provided, single submitter. Criteria: Invitae Variant Classification Sherloc (09022015). Collection method: clinical testing. Allele origin: germline.
Comment: In summary, the available evidence is currently insufficient to determine the role of this variant in disease. Therefore, it has been classified as a Variant of Uncertain Significance. Algorithms developed to predict the effect of missense changes on protein structure and function are either unavailable or do not agree on the potential impact of this missense change (SIFT: "Tolerated"; PolyPhen-2: "Not Available"; Align-GVGD: "Class C0"). This variant has not been reported in the literature in individuals affected with GABBR2-related conditions. The frequency data for this variant in the population databases is considered unreliable, as metrics indicate insufficient coverage at this position in the gnomAD database. This sequence change replaces arginine, which is basic and polar, with histidine, which is basic and polar, at codon 22 of the GABBR2 protein (p.Arg22His).